The following is an entry in ClinVar:

ClinVar aggregate classification (germline): Likely benign. Review status: reviewed by expert panel (3 of 4 stars). 2 submissions from 2 submitters: Likely benign (1). 1 of the submissions does not count toward it. Last evaluated 2017-06-29.

Conditions:
Hereditary cancer-predisposing syndrome. Also called: Hereditary neoplastic syndrome; Hereditary Cancer Syndrome; Neoplastic Syndromes, Hereditary; Tumor predisposition. Identifiers: Orphanet 140162, MedGen C0027672, MeSH D009386, MONDO:0015356.
Breast-ovarian cancer, familial, susceptibility to, 2 (BROVCA2). Also called: BRCA2 Hereditary Breast and Ovarian Cancer. Identifiers: Orphanet 145, MedGen C2675520, MONDO:0012933, OMIM 612555. Disease mechanism: loss of function.

Allele frequency attached by ClinVar (database versions not stated): gnomAD exomes below 0.00001; ExAC 0.00001.
gnomAD v4.1: 2 of 1,614,028 alleles (0.00012%); highest among the groups gnomAD compares: South Asian, 0.0011%; no homozygotes.

Submissions (2):

Evidence-based Network for the Interpretation of Germline Mutant Alleles (ENIGMA)
Classification: Likely benign for Breast-ovarian cancer, familial, susceptibility to, 2. Last evaluated: 2017-06-29. Review status: reviewed by expert panel. Criteria: ENIGMA BRCA1/2 Classification Criteria (2017-06-29). Collection method: curation. Allele origin: germline.
Comment: Synonymous substitution variant, with low bioinformatic likelihood to result in a splicing aberration (Splicing prior probability 0.02).

Ambry Genetics
Classification: Likely benign for Hereditary cancer-predisposing syndrome. Last evaluated: 2023-03-08. Review status: criteria provided, single submitter. Criteria: Ambry Variant Classification Scheme 2023. Collection method: clinical testing. Allele origin: germline. Not counted in ClinVar's aggregate classification.

NM_000059.4(BRCA2):c.8292C>T (p.Ala2764=)

Gene: BRCA2 (BRCA2 DNA repair associated; plus strand). Cytogenetic location: 13q13.1.
Variant type: single nucleotide variant.
Coding change: c.8292C>T on transcript NM_000059.4 (MANE Select); coding-DNA position 8292, C replaced by T.
Protein change: p.Ala2764=; no amino-acid change (alanine 2764 retained).
Molecular consequence: synonymous variant.
Genome position (GRCh38, 1-based): chr13:32,363,494, C>T. VCF-style: chr13-32363494-C-T. GRCh37 (hg19) VCF-style: chr13-32937631-C-T.
Identifiers: ClinVar variation 427460 (VCV000427460.4), dbSNP rs749871912, ClinGen allele CA6941205.